The following is an entry in ClinVar:

ClinVar aggregate classification (germline): Uncertain significance (1 of 4 stars; one submission).

Conditions:
Familial cancer of breast. Also called: hereditary breast carcinoma; BREAST CANCER, FAMILIAL; Hereditary breast cancer. Identifiers: Orphanet 227535, MedGen C0346153, MONDO:0016419, OMIM 114480. Disease mechanism: loss of function.
Fanconi anemia complementation group J. Also called: BRIP1-Related Fanconi Anemia. Identifiers: Orphanet 84, MedGen C1836860, MONDO:0012187, OMIM 609054.

Submission:

Labcorp Genetics (formerly Invitae), Labcorp
Classification: Uncertain significance for Familial cancer of breast; Fanconi anemia complementation group J. Last evaluated: 2021-02-15. Review status: criteria provided, single submitter. Criteria: Invitae Variant Classification Sherloc (09022015). Collection method: clinical testing. Allele origin: germline.
Comment: This variant has not been reported in the literature in individuals with BRIP1-related conditions. This sequence change replaces cysteine with glycine at codon 42 of the BRIP1 protein (p.Cys42Gly). The cysteine residue is highly conserved and there is a large physicochemical difference between cysteine and glycine. This variant is not present in population databases (ExAC no frequency). Algorithms developed to predict the effect of missense changes on protein structure and function are either unavailable or do not agree on the potential impact of this missense change (SIFT: "Deleterious"; PolyPhen-2: "Probably Damaging"; Align-GVGD: "Class C0"). In summary, the available evidence is currently insufficient to determine the role of this variant in disease. Therefore, it has been classified as a Variant of Uncertain Significance.

NM_032043.3(BRIP1):c.124T>G (p.Cys42Gly)

Gene: BRIP1 (BRCA1 interacting DNA helicase 1; minus strand). Cytogenetic location: 17q23.2.
Variant type: single nucleotide variant.
Coding change: c.124T>G on transcript NM_032043.3 (MANE Select); coding-DNA position 124, T replaced by G.
Protein change: p.Cys42Gly; replaces cysteine 42 with glycine.
Molecular consequence: missense variant.
Genome position (GRCh38, 1-based): chr17:61,859,877, A>C on the plus strand (T>G on the coding strand, the complement: BRIP1 is on the minus strand). VCF-style: chr17-61859877-A-C. GRCh37 (hg19) VCF-style: chr17-59937238-A-C.
Other names: short protein forms C42G.
Identifiers: ClinVar variation 1011172 (VCV001011172.9), dbSNP rs1567877037, ClinGen allele CA400485820.